The following is an entry in ClinVar:

NM_000548.5(TSC2):c.5260-8G>A

Gene: TSC2 (TSC complex subunit 2; plus strand). Cytogenetic location: 16p13.3.
Variant type: single nucleotide variant.
Coding change: c.5260-8G>A on transcript NM_000548.5 (MANE Select); 8 bases into the intron before coding-DNA position 5260, G replaced by A.
Molecular consequence: intron variant.
Genome position (GRCh38, 1-based): chr16:2,088,438, G>A. VCF-style: chr16-2088438-G-A. GRCh37 (hg19) VCF-style: chr16-2138439-G-A.
Other names: c.5191-8G>A (NM_001114382.3); c.5131-8G>A (NM_021055.3); c.5119-8G>A (NM_001370405.1); c.5062-8G>A (NM_001363528.2); c.5128-8G>A (NM_001370404.1); c.5059-8G>A (NM_001077183.3); c.4951-8G>A (NM_001318827.2); c.4528-8G>A (NM_001318831.2); and 2 more.
Identifiers: ClinVar variation 2046633 (VCV002046633.5), dbSNP rs2151637283, ClinGen allele CA2580091178.

ClinVar aggregate classification (germline): Likely benign. Review status: criteria provided, multiple submitters, no conflicts (2 of 4 stars). 2 submissions from 2 submitters: Likely benign (2). Last evaluated 2025-06-06.

Conditions:
Tuberous sclerosis 2 (TSC2). Identifiers: Orphanet 805, MedGen C1860707, MONDO:0013199, OMIM 613254.

Allele frequency attached by ClinVar (database versions not stated): gnomAD exomes below 0.00001.
gnomAD v4.1: 2 of 1,612,768 alleles (0.00012%); highest among the groups gnomAD compares: South Asian, 0.0011%; no homozygotes.

Submissions (2):

Myriad Genetics, Inc.
Classification: Likely benign for Tuberous sclerosis 2. Last evaluated: 2025-06-06. Review status: criteria provided, single submitter. Criteria: Myriad Autosomal Dominant, Autosomal Recessive and X-Linked Classification Criteria (2023). Collection method: clinical testing. Allele origin: unknown.
Comment: This variant is considered likely benign. This variant is intronic and is not expected to impact mRNA splicing.

Labcorp Genetics (formerly Invitae), Labcorp
Classification: Likely benign for Tuberous sclerosis 2. Last evaluated: 2025-02-25. Review status: criteria provided, single submitter. Criteria: Invitae Variant Classification Sherloc (09022015). Collection method: clinical testing. Allele origin: germline.